The following is an entry in ClinVar:

NM_000426.4(LAMA2):c.2010dup (p.Arg671Ter)

Gene: LAMA2 (laminin subunit alpha 2; plus strand). Cytogenetic location: 6q22.33.
Variant type: Duplication.
Coding change: c.2010dup on transcript NM_000426.4 (MANE Select); coding-DNA position 2010, one base duplicated (T; older notation c.2010dupT).
Protein change: p.Arg671Ter; replaces arginine 671 with a stop codon.
Molecular consequence: nonsense.
Genome position (GRCh38, 1-based): chr6:129,252,209, T duplicated. VCF-style (leftmost placement, unchanged base first): chr6-129252208-G-GT. GRCh37 (hg19) VCF-style: chr6-129573353-G-GT.
Other names: c.2010dup, p.Arg671Ter (NM_001079823.2); short protein forms R671*.
Identifiers: ClinVar variation 5004786 (VCV005004786.1).

ClinVar aggregate classification (germline): Pathogenic (1 of 4 stars; one submission).

Conditions:
LAMA2-related muscular dystrophy (LAMA2-RD). Also called: Laminin alpha 2-related dystrophy. Identifiers: MedGen C5679788, MONDO:0100228.

Submission:

Myriad Genetics, Inc.
Classification: Pathogenic for LAMA2-related muscular dystrophy. Last evaluated: 2026-07-15. Review status: criteria provided, single submitter. Criteria: Myriad Autosomal Dominant, Autosomal Recessive and X-Linked Classification Criteria (2023). Collection method: clinical testing. Allele origin: unknown.
Comment: NM_000426.3(LAMA2):c.2010dupT(R671*) is a nonsense variant classified as pathogenic in the context of muscular dystrophy, LAMA2-related. R671* has not been observed in cases with relevant disease. Relevant functional assessments of this variant are not available in the literature. R671* has not been observed in referenced population frequency databases. In summary, NM_000426.3(LAMA2):c.2010dupT(R671*) is a nonsense variant in a gene where loss of function is a known mechanism of disease and is predicted to disrupt protein function. Please note: this variant was assessed in the context of healthy population screening.